The following is an entry in ClinVar:

NM_139315.3(TAF6):c.1689A>G (p.Ser563=)

Genes: AP4M1 (adaptor related protein complex 4 subunit mu 1; plus strand), TAF6 (TATA-box binding protein associated factor 6; minus strand). Cytogenetic location: 7q22.1.
Variant type: single nucleotide variant.
Coding change: c.1689A>G on transcript NM_139315.3 (MANE Select); coding-DNA position 1689, A replaced by G.
Protein change: p.Ser563=; no amino-acid change (serine 563 retained).
Molecular consequence: synonymous variant. On other transcripts: non-coding transcript variant (1), 3 prime UTR variant (2).
Genome position (GRCh38, 1-based): chr7:100,107,591, T>C on the plus strand (A>G on the coding strand, the complement: TAF6 is on the minus strand). VCF-style: chr7-100107591-T-C. GRCh37 (hg19) VCF-style: chr7-99705214-T-C.
Other names: c.1800A>G, p.Ser600= (NM_001190415.2); c.1689A>G, p.Ser563= (NM_001364998.1, NM_001364999.1, NM_005641.4); c.1659A>G, p.Ser553= (NM_001365000.1, NM_001365001.1, NM_001365002.1 and 1 more transcripts); c.1827A>G, p.Ser609= (NM_001365004.1); c.*709T>C (NM_001363671.2, NM_004722.4).
Identifiers: ClinVar variation 730826 (VCV000730826.8), dbSNP rs768942294, ClinGen allele CA4375184.

ClinVar aggregate classification (germline): Conflicting classifications of pathogenicity. Review status: criteria provided, conflicting classifications (1 of 4 stars). 2 submissions from 2 submitters: Uncertain significance (1); Likely benign (1). Last evaluated 2025-04-07.

Conditions:
Alazami-Yuan syndrome (ALYUS). Identifiers: Orphanet 694946, MedGen C4310702, MONDO:0014931, OMIM 617126.

Allele frequency attached by ClinVar (database versions not stated): gnomAD 0.00001; TOPMed 0.00002.
gnomAD v4.1: 49 of 1,613,444 alleles (0.003%); highest among the groups gnomAD compares: Middle Eastern, 0.067%; no homozygotes.

Submissions (2):

Labcorp Genetics (formerly Invitae), Labcorp
Classification: Likely benign. Last evaluated: 2025-04-07. Review status: criteria provided, single submitter. Criteria: Invitae Variant Classification Sherloc (09022015). Collection method: clinical testing. Allele origin: germline.

Baylor Genetics
Classification: Uncertain significance for Alazami-Yuan syndrome. Last evaluated: 2019-07-31. Review status: criteria provided, single submitter. Criteria: ACMG Guidelines, 2015. Collection method: clinical testing. Allele origin: unknown. Affected: yes.
Comment: This variant was determined to be of uncertain significance according to ACMG Guidelines, 2015 [PMID:25741868].